The following is an entry in ClinVar:

NM_015335.5(MED13L):c.6462A>T (p.Pro2154=)

Gene: MED13L (mediator complex subunit 13L; minus strand). Cytogenetic location: 12q24.21.
Variant type: single nucleotide variant.
Coding change: c.6462A>T on transcript NM_015335.5 (MANE Select); coding-DNA position 6462, A replaced by T.
Protein change: p.Pro2154=; no amino-acid change (proline 2154 retained).
Molecular consequence: synonymous variant.
Genome position (GRCh38, 1-based): chr12:115,963,445, T>A on the plus strand (A>T on the coding strand, the complement: MED13L is on the minus strand). VCF-style: chr12-115963445-T-A. GRCh37 (hg19) VCF-style: chr12-116401250-T-A.
Identifiers: ClinVar variation 3778286 (VCV003778286.7).

ClinVar aggregate classification (germline): Likely benign (1 of 4 stars; one submission).

gnomAD v4.1: 2 of 1,614,210 alleles (0.00012%); highest among the groups gnomAD compares: Non-Finnish European, 0.00017%; no homozygotes.

Submission:

CeGaT Center for Human Genetics Tuebingen
Classification: Likely benign. Last evaluated: 2025-03-01. Review status: criteria provided, single submitter. Criteria: CeGaT Center For Human Genetics Tuebingen Variant Classification Criteria Version 2. Collection method: clinical testing. Allele origin: germline. Affected: yes. Observed: 1 variant allele.
Comment: MED13L: BP4, BP7